The following is an entry in ClinVar:

ClinVar aggregate classification (germline): Likely benign. Review status: criteria provided, single submitter (1 of 4 stars). 2 submissions from 2 submitters: Likely benign (1). 1 of the submissions does not count toward it. Last evaluated 2025-12-23.

Conditions:
USH2A-related disorder. Also called: USH2A-related condition; USH2A-related disorders. Identifiers: MedGen CN239332.

gnomAD v4.1: 7 of 1,614,172 alleles (0.00043%); highest among the groups gnomAD compares: African/African-American, 0.0067%; no homozygotes.

Submissions (2):

Labcorp Genetics (formerly Invitae), Labcorp
Classification: Likely benign. Last evaluated: 2025-12-23. Review status: criteria provided, single submitter. Criteria: Invitae Variant Classification Sherloc (09022015). Collection method: clinical testing. Allele origin: germline.

PreventionGenetics, part of Exact Sciences
Classification: Likely benign for USH2A-related condition. Last evaluated: 2019-12-10. Review status: no assertion criteria provided. Collection method: clinical testing. Allele origin: germline. Not counted in ClinVar's aggregate classification.
Comment: This variant is classified as likely benign based on ACMG/AMP sequence variant interpretation guidelines (Richards et al. 2015 PMID: 25741868, with internal and published modifications).

NM_206933.4(USH2A):c.15234C>T (p.Pro5078=)

Gene: USH2A (usherin; minus strand). Cytogenetic location: 1q41.
Variant type: single nucleotide variant.
Coding change: c.15234C>T on transcript NM_206933.4 (MANE Select); coding-DNA position 15234, C replaced by T.
Protein change: p.Pro5078=; no amino-acid change (proline 5078 retained).
Molecular consequence: synonymous variant.
Genome position (GRCh38, 1-based): chr1:215,634,522, G>A on the plus strand (C>T on the coding strand, the complement: USH2A is on the minus strand). VCF-style: chr1-215634522-G-A. GRCh37 (hg19) VCF-style: chr1-215807864-G-A.
Other names: c.15234C>T (NM_206933.2).
Identifiers: ClinVar variation 1590160 (VCV001590160.9), dbSNP rs940411523, ClinGen allele CA37374077.